The following is an entry in ClinVar:

NM_013347.4(RPA4):c.372T>C (p.Tyr124=)

Genes: DIAPH2 (diaphanous related formin 2; plus strand), RPA4 (replication protein A4; plus strand). Cytogenetic location: Xq21.33.
Variant type: single nucleotide variant.
Coding change: c.372T>C on transcript NM_013347.4 (MANE Select); coding-DNA position 372, T replaced by C.
Protein change: p.Tyr124=; no amino-acid change (tyrosine 124 retained).
Molecular consequence: synonymous variant. On other transcripts: intron variant (2).
Genome position (GRCh38, 1-based): chrX:96,884,682, T>C. VCF-style: chrX-96884682-T-C. GRCh37 (hg19) VCF-style: chrX-96139681-T-C.
Other names: c.587+2964T>C (NM_006729.5, NM_007309.4).
Identifiers: ClinVar variation 2661023 (VCV002661023.24), dbSNP rs1262954533, ClinGen allele CA517747422.

ClinVar aggregate classification (germline): Likely benign (1 of 4 stars; one submission).

Allele frequency attached by ClinVar (database versions not stated): gnomAD exomes 0.00002; gnomAD 0.00003; TOPMed 0.00003.
gnomAD v4.1: 29 of 1,208,159 alleles (0.0024%); highest among the groups gnomAD compares: Middle Eastern, 0.023%; no homozygotes.

Submission:

CeGaT Center for Human Genetics Tuebingen
Classification: Likely benign. Last evaluated: 2022-10-01. Review status: criteria provided, single submitter. Criteria: CeGaT Center For Human Genetics Tuebingen Variant Classification Criteria Version 2. Collection method: clinical testing. Allele origin: germline. Affected: yes. Observed: 3 variant alleles.
Comment: RPA4: BP4, BP7